The following is an entry in ClinVar:

NM_014989.7(RIMS1):c.5053A>G (p.Thr1685Ala)

Gene: RIMS1 (regulating synaptic membrane exocytosis 1; plus strand). Cytogenetic location: 6q13.
Variant type: single nucleotide variant.
Coding change: c.5053A>G on transcript NM_014989.7 (MANE Select); coding-DNA position 5053, A replaced by G.
Protein change: p.Thr1685Ala; replaces threonine 1685 with alanine.
Molecular consequence: missense variant.
Genome position (GRCh38, 1-based): chr6:72,400,688, A>G. VCF-style: chr6-72400688-A-G. GRCh37 (hg19) VCF-style: chr6-73110390-A-G.
Other names: c.3013A>G, p.Thr1005Ala (NM_001168407.2); c.2428A>G, p.Thr810Ala (NM_001168408.2, NM_001350430.2); c.2257A>G, p.Thr753Ala (NM_001168409.2); c.2455A>G, p.Thr819Ala (NM_001168410.2); c.634A>G, p.Thr212Ala (NM_001168411.2); c.2974A>G, p.Thr992Ala (NM_001350414.2); c.3070A>G, p.Thr1024Ala (NM_001350415.2); c.3019A>G, p.Thr1007Ala (NM_001350416.2); and 54 more; short protein forms T1007A, T729A, T753A, T819A, T833A, T834A, T861A, T915A.
Identifiers: ClinVar variation 835781 (VCV000835781.10), dbSNP rs200035429, ClinGen allele CA3886653.

ClinVar aggregate classification (germline): Conflicting classifications of pathogenicity. Review status: criteria provided, conflicting classifications (1 of 4 stars). 2 submissions from 2 submitters: Uncertain significance (1); Likely benign (1). Last evaluated 2025-12-17.

Allele frequency attached by ClinVar (database versions not stated): gnomAD 0.00013 and 0.00014; ExAC 0.00015; gnomAD exomes 0.00015; TOPMed 0.00015; ESP Exome Variant Server 0.00017.
gnomAD v4.1: 223 of 1,613,458 alleles (0.014%); highest among the groups gnomAD compares: Non-Finnish European, 0.017%; no homozygotes.

Submissions (2):

Labcorp Genetics (formerly Invitae), Labcorp
Classification: Uncertain significance. Last evaluated: 2025-12-17. Review status: criteria provided, single submitter. Criteria: Invitae Variant Classification Sherloc (09022015). Collection method: clinical testing. Allele origin: germline.
Comment: This sequence change replaces threonine, which is neutral and polar, with alanine, which is neutral and non-polar, at codon 1685 of the RIMS1 protein (p.Thr1685Ala). This variant is present in population databases (rs200035429, gnomAD 0.02%). This variant has not been reported in the literature in individuals affected with RIMS1-related conditions. ClinVar contains an entry for this variant (Variation ID: 835781). An algorithm developed to predict the effect of missense changes on protein structure and function (PolyPhen-2) suggests that this variant is likely to be tolerated. In summary, the available evidence is currently insufficient to determine the role of this variant in disease. Therefore, it has been classified as a Variant of Uncertain Significance.

Blueprint Genetics
Classification: Likely benign. Last evaluated: 2024-06-14. Review status: criteria provided, single submitter. Criteria: ACMG Guidelines, 2015. Collection method: clinical testing. Allele origin: germline.